The following is an entry in ClinVar:

ClinVar aggregate classification (germline): Uncertain significance (1 of 4 stars; one submission).

Conditions:
Hereditary cancer-predisposing syndrome. Also called: Tumor predisposition; Hereditary Cancer Syndrome; Neoplastic Syndromes, Hereditary; Hereditary neoplastic syndrome. Identifiers: Orphanet 140162, MedGen C0027672, MeSH D009386, MONDO:0015356.

Submission:

Ambry Genetics
Classification: Uncertain significance for Hereditary cancer-predisposing syndrome. Last evaluated: 2024-05-17. Review status: criteria provided, single submitter. Criteria: Ambry Variant Classification Scheme 2023. Collection method: clinical testing. Allele origin: germline.
Comment: The p.A928S variant (also known as c.2782G>T), located in coding exon 15 of the APC gene, results from a G to T substitution at nucleotide position 2782. The alanine at codon 928 is replaced by serine, an amino acid with similar properties. This amino acid position is not well conserved in available vertebrate species. In addition, in silico predictors for this gene do not accurately predict pathogenicity. Since supporting evidence is limited at this time, the clinical significance of this alteration remains unclear.

NM_000038.6(APC):c.2782G>T (p.Ala928Ser)

Gene: APC (APC regulator of Wnt signaling pathway; plus strand). Cytogenetic location: 5q22.2.
Variant type: single nucleotide variant.
Coding change: c.2782G>T on transcript NM_000038.6 (MANE Select); coding-DNA position 2782, G replaced by T.
Protein change: p.Ala928Ser; replaces alanine 928 with serine.
Molecular consequence: missense variant.
Genome position (GRCh38, 1-based): chr5:112,838,376, G>T. VCF-style: chr5-112838376-G-T. GRCh37 (hg19) VCF-style: chr5-112174073-G-T.
Other names: c.2782G>T, p.Ala928Ser (NM_001127510.3, NM_001354895.2, NM_001407450.1); c.2728G>T, p.Ala910Ser (NM_001127511.3); c.2836G>T, p.Ala946Ser (NM_001354896.2, NM_001407447.1, NM_001407448.1 and 1 more transcripts); c.2812G>T, p.Ala938Ser (NM_001354897.2); c.2707G>T, p.Ala903Ser (NM_001354898.2); c.2698G>T, p.Ala900Ser (NM_001354899.2); c.2659G>T, p.Ala887Ser (NM_001354900.2); c.2605G>T, p.Ala869Ser (NM_001354901.2, NM_001407453.1); and 11 more; short protein forms A645S, A887S, A768S, A837S, A910S, A938S, A544S, A799S.
Identifiers: ClinVar variation 1795955 (VCV001795955.3), dbSNP rs730881222, ClinGen allele CA16027399.
Genomic context (GRCh38, chr5:112,838,376, plus strand): 5'-TCTACCACTGAATTACATTGTGTGACAGATGAGAGAAATGCACTTAGAAGAAGCTCTGCT[G>T]CCCATACACATTCAAACACTTACAATTTCACTAAGTCGGAAAATTCAAATAGGACATGTT-3'
Protein context (NP_000029.2, residues 918-938): ERNALRRSSA[Ala928Ser]HTHSNTYNFT